The following is an entry in ClinVar:

ClinVar aggregate classification (germline): Conflicting classifications of pathogenicity. Review status: criteria provided, conflicting classifications (1 of 4 stars). 3 submissions from 3 submitters: Uncertain significance (1); Likely benign (2). Last evaluated 2026-01-26.

Conditions:
Inborn genetic diseases. Identifiers: MedGen C0950123, MeSH D030342.
Junctional epidermolysis bullosa, non-Herlitz type. Also called: EPIDERMOLYSIS BULLOSA JUNCTIONALIS, DISENTIS TYPE; EPIDERMOLYSIS BULLOSA JUNCTIONALIS, NON-HERLITZ TYPE; EPIDERMOLYSIS BULLOSA JUNCTIONALIS, PROGRESSIVE; EPIDERMOLYSIS BULLOSA JUNCTIONALIS, SEVERE NONLETHAL; Adult junctional epidermolysis bullosa; Epidermolysis bullosa, junctional, non-herlitz type, somatic mosaic revertant. Identifiers: Orphanet 251393, Orphanet 79402, Orphanet 79405, Orphanet 89840, MedGen C0268374, MONDO:0009180, OMIM 226650.

Allele frequency attached by ClinVar (database versions not stated): gnomAD exomes 0.00014 and 0.00030; ExAC 0.00038; ESP Exome Variant Server 0.00077; 1000 Genomes Project 30x 0.00109; gnomAD 0.00109 and 0.00118; 1000 Genomes Project 0.00120; TOPMed 0.00129.
gnomAD v4.1: 378 of 1,610,518 alleles (0.023%); highest among the groups gnomAD compares: African/African-American, 0.4%; 1 homozygote.

Submissions (3):

Labcorp Genetics (formerly Invitae), Labcorp
Classification: Likely benign. Last evaluated: 2026-01-26. Review status: criteria provided, single submitter. Criteria: Invitae Variant Classification Sherloc (09022015). Collection method: clinical testing. Allele origin: germline.

Ambry Genetics
Classification: Uncertain significance for Inborn genetic diseases. Last evaluated: 2024-12-09. Review status: criteria provided, single submitter. Criteria: Ambry Variant Classification Scheme 2023. Collection method: clinical testing. Allele origin: germline.

Illumina Laboratory Services, Illumina
Classification: Likely benign for Junctional epidermolysis bullosa, non-Herlitz type. Last evaluated: 2018-01-13. Review status: criteria provided, single submitter. Criteria: ICSL Variant Classification Criteria 13 December 2019. Collection method: clinical testing. Allele origin: germline.
Comment: This variant was observed in the ICSL laboratory as part of a predisposition screen in an ostensibly healthy population. It had not been previously curated by ICSL or reported in the Human Gene Mutation Database (HGMD: prior to June 1st, 2018), and was therefore a candidate for classification through an automated scoring system. Utilizing variant allele frequency, disease prevalence and penetrance estimates, and inheritance mode, an automated score was calculated to assess if this variant is too frequent to cause the disease. Based on the score and internal cut-off values, a variant classified as likely benign is not then subjected to further curation. The score for this variant resulted in a classification of likely benign for this disease.

NM_000494.4(COL17A1):c.1375G>A (p.Gly459Ser)

Gene: COL17A1 (collagen type XVII alpha 1 chain; minus strand). Cytogenetic location: 10q25.1.
Variant type: single nucleotide variant.
Coding change: c.1375G>A on transcript NM_000494.4 (MANE Select); coding-DNA position 1375, G replaced by A.
Protein change: p.Gly459Ser; replaces glycine 459 with serine.
Molecular consequence: missense variant.
Genome position (GRCh38, 1-based): chr10:104,057,065, C>T on the plus strand (G>A on the coding strand, the complement: COL17A1 is on the minus strand). VCF-style: chr10-104057065-C-T. GRCh37 (hg19) VCF-style: chr10-105816823-C-T.
Other names: c.1375G>A, p.Gly459Ser (LRG_1249t1); short protein forms G459S.
Identifiers: ClinVar variation 298734 (VCV000298734.11), dbSNP rs151271674, ClinGen allele CA5679050.